The following is an entry in ClinVar:

ClinVar aggregate classification (germline): Pathogenic (1 of 4 stars; one submission).

Conditions:
Maturity-onset diabetes of the young type 3. Also called: MODY type 3; MODY, type III. Identifiers: Orphanet 552, MedGen C1838100, MeSH C563933, MONDO:0010894, OMIM 600496. Disease mechanism: loss of function.

Submission:

Geisinger Clinic, Geisinger Health System
Classification: Pathogenic for Maturity-onset diabetes of the young type 3. Last evaluated: 2022-08-02. Review status: criteria provided, single submitter. Criteria: ACMG Guidelines, 2015. Collection method: research. Allele origin: germline. Inheritance: Autosomal dominant inheritance. Affected: yes. Observed: 2 variant alleles.
Comment: PVS1, PM2, PS1_Supporting

Literature cited by the submitters: PubMed 36257325.

NM_000545.8(HNF1A):c.1623+1G>T

Gene: HNF1A (HNF1 homeobox A; plus strand). Cytogenetic location: 12q24.31.
Variant type: single nucleotide variant.
Coding change: c.1623+1G>T on transcript NM_000545.8 (MANE Select); the canonical splice donor site of the intron after coding-DNA position 1623, G replaced by T.
Molecular consequence: splice donor variant.
Genome position (GRCh38, 1-based): chr12:120,999,390, G>T. VCF-style: chr12-120999390-G-T. GRCh37 (hg19) VCF-style: chr12-121437193-G-T.
Other names: c.1623+1G>T (NM_001306179.2); c.1431+1G>T (NM_001406915.1).
Identifiers: ClinVar variation 1700668 (VCV001700668.2), dbSNP rs2135850957, ClinGen allele CA386972265.